The following is an entry in ClinVar:

NM_000094.4(COL7A1):c.5224C>A (p.Pro1742Thr)

Gene: COL7A1 (collagen type VII alpha 1 chain; minus strand). Cytogenetic location: 3p21.31.
Variant type: single nucleotide variant.
Coding change: c.5224C>A on transcript NM_000094.4 (MANE Select); coding-DNA position 5224, C replaced by A.
Protein change: p.Pro1742Thr; replaces proline 1742 with threonine.
Molecular consequence: missense variant.
Genome position (GRCh38, 1-based): chr3:48,579,599, G>T on the plus strand (C>A on the coding strand, the complement: COL7A1 is on the minus strand). VCF-style: chr3-48579599-G-T. GRCh37 (hg19) VCF-style: chr3-48617032-G-T.
Other names: short protein forms P1742T.
Identifiers: ClinVar variation 4823092 (VCV004823092.4).
Genomic context (GRCh38, chr3:48,579,599, plus strand): 5'-CAGAGCAGGCCCTCCCATGCCTGCACCCCCGAGGACCAATCACACTCACCCTTTCCCCAG[G>T]GGCTCCAGGGAGGCCAGGATCACCCTTGGGCCCTCGAGGACCCTCTTGTCCGCGGTCCCC-3'
Protein context (NP_000085.1, residues 1732-1752): PKGDPGLPGA[Pro1742Thr]GERGIEGFRG

ClinVar aggregate classification (germline): Uncertain significance (1 of 4 stars; one submission).

gnomAD v4.1: 1 of 1,613,796 alleles (0.000062%); highest among the groups gnomAD compares: Non-Finnish European, 0.000085%; no homozygotes.

Submission:

CeGaT Center for Human Genetics Tuebingen
Classification: Uncertain significance. Last evaluated: 2026-01-01. Review status: criteria provided, single submitter. Criteria: CeGaT Center For Human Genetics Tuebingen Variant Classification Criteria Version 2. Collection method: clinical testing. Allele origin: germline. Affected: yes. Observed: 1 variant allele.
Comment: COL7A1: PM2